The following is an entry in ClinVar:

NM_033100.4(CDHR1):c.680C>T (p.Ser227Leu)

Gene: CDHR1 (cadherin related family member 1; plus strand). Cytogenetic location: 10q23.1.
Variant type: single nucleotide variant.
Coding change: c.680C>T on transcript NM_033100.4 (MANE Select); coding-DNA position 680, C replaced by T.
Protein change: p.Ser227Leu; replaces serine 227 with leucine.
Molecular consequence: missense variant.
Genome position (GRCh38, 1-based): chr10:84,203,020, C>T. VCF-style: chr10-84203020-C-T. GRCh37 (hg19) VCF-style: chr10-85962776-C-T.
Other names: c.680C>T, p.Ser227Leu (NM_001171971.3); short protein forms S227L.
Identifiers: ClinVar variation 1474219 (VCV001474219.6), dbSNP rs1158356829, ClinGen allele CA377372615.

ClinVar aggregate classification (germline): Uncertain significance (1 of 4 stars; one submission).

Allele frequency attached by ClinVar (database versions not stated): gnomAD exomes below 0.00001 and 0.00001; TOPMed below 0.00001; gnomAD 0.00001.
gnomAD v4.1: 5 of 1,614,116 alleles (0.00031%); highest among the groups gnomAD compares: Non-Finnish European, 0.00034%; no homozygotes.

Submission:

Labcorp Genetics (formerly Invitae), Labcorp
Classification: Uncertain significance. Last evaluated: 2025-03-05. Review status: criteria provided, single submitter. Criteria: Invitae Variant Classification Sherloc (09022015). Collection method: clinical testing. Allele origin: germline.
Comment: This sequence change replaces serine, which is neutral and polar, with leucine, which is neutral and non-polar, at codon 227 of the CDHR1 protein (p.Ser227Leu). This variant is present in population databases (no rsID available, gnomAD 0.0009%). This variant has not been reported in the literature in individuals affected with CDHR1-related conditions. ClinVar contains an entry for this variant (Variation ID: 1474219). Invitae Evidence Modeling of protein sequence and biophysical properties (such as structural, functional, and spatial information, amino acid conservation, physicochemical variation, residue mobility, and thermodynamic stability) indicates that this missense variant is not expected to disrupt CDHR1 protein function with a negative predictive value of 80%. In summary, the available evidence is currently insufficient to determine the role of this variant in disease. Therefore, it has been classified as a Variant of Uncertain Significance.